The following is an entry in ClinVar:

NM_016604.4(KDM3B):c.2526G>A (p.Met842Ile)

Gene: KDM3B (lysine demethylase 3B; plus strand). Cytogenetic location: 5q31.2.
Variant type: single nucleotide variant.
Coding change: c.2526G>A on transcript NM_016604.4 (MANE Select); coding-DNA position 2526, G replaced by A.
Protein change: p.Met842Ile; replaces methionine 842 with isoleucine.
Molecular consequence: missense variant.
Genome position (GRCh38, 1-based): chr5:138,392,158, G>A. VCF-style: chr5-138392158-G-A. GRCh37 (hg19) VCF-style: chr5-137727847-G-A.
Other names: short protein forms M842I.
Identifiers: ClinVar variation 3252496 (VCV003252496.1), dbSNP rs2480213215.
Genomic context (GRCh38, chr5:138,392,158, plus strand): 5'-TGACTCTGAGGAGCAGCTGCAGGCTAAGACAGGCCTGAAGGGAATTCCAGAGCACCTGAT[G>A]GGGAAGCTGGGCCCCAATGGGGAGCGCAGTGCTGAGCTGTTGCTGGGCAAAAGCAAAGGG-3'
Protein context (NP_057688.3, residues 832-852): TGLKGIPEHL[Met842Ile]GKLGPNGERS

ClinVar aggregate classification (germline): Uncertain significance (1 of 4 stars; one submission).

Submission:

GeneDx
Classification: Uncertain significance. Last evaluated: 2023-12-07. Review status: criteria provided, single submitter. Criteria: GeneDx Variant Classification Process June 2021. Collection method: clinical testing. Allele origin: germline. Affected: yes.
Comment: Not observed at significant frequency in large population cohorts (gnomAD); In silico analysis supports that this missense variant does not alter protein structure/function; Has not been previously published as pathogenic or benign to our knowledge